The following is an entry in ClinVar:

NM_022095.4(ZNF335):c.3819+6G>A

Gene: ZNF335 (zinc finger protein 335; minus strand). Cytogenetic location: 20q13.12.
Variant type: single nucleotide variant.
Coding change: c.3819+6G>A on transcript NM_022095.4 (MANE Select); 6 bases into the intron after coding-DNA position 3819, G replaced by A.
Molecular consequence: intron variant.
Genome position (GRCh38, 1-based): chr20:45,949,327, C>T on the plus strand (G>A on the coding strand, the complement: ZNF335 is on the minus strand). VCF-style: chr20-45949327-C-T. GRCh37 (hg19) VCF-style: chr20-44577966-C-T.
Identifiers: ClinVar variation 1416303 (VCV001416303.6), dbSNP rs778980849, ClinGen allele CA9884843.

ClinVar aggregate classification (germline): Uncertain significance (1 of 4 stars; one submission).

Allele frequency attached by ClinVar (database versions not stated): gnomAD exomes below 0.00001 and 0.00002; TOPMed below 0.00001; gnomAD 0.00001; ExAC 0.00004.
gnomAD v4.1: 7 of 1,614,014 alleles (0.00043%); highest among the groups gnomAD compares: Admixed American, 0.0083%; no homozygotes.

Submission:

Labcorp Genetics (formerly Invitae), Labcorp
Classification: Uncertain significance. Last evaluated: 2024-05-22. Review status: criteria provided, single submitter. Criteria: Invitae Variant Classification Sherloc (09022015). Collection method: clinical testing. Allele origin: germline.
Comment: This sequence change falls in intron 26 of the ZNF335 gene. It does not directly change the encoded amino acid sequence of the ZNF335 protein. It affects a nucleotide within the consensus splice site. This variant is present in population databases (rs778980849, gnomAD 0.01%). This variant has not been reported in the literature in individuals affected with ZNF335-related conditions. ClinVar contains an entry for this variant (Variation ID: 1416303). Variants that disrupt the consensus splice site are a relatively common cause of aberrant splicing (PMID: 17576681, 9536098). Algorithms developed to predict the effect of sequence changes on RNA splicing suggest that this variant is not likely to affect RNA splicing. In summary, the available evidence is currently insufficient to determine the role of this variant in disease. Therefore, it has been classified as a Variant of Uncertain Significance.

Literature cited by the submitters: PubMed 17576681; PubMed 9536098.